The following is an entry in ClinVar:

NM_032608.7(MYO18B):c.1530G>A (p.Trp510Ter)

Gene: MYO18B (myosin XVIIIB; plus strand). Cytogenetic location: 22q12.1.
Variant type: single nucleotide variant.
Coding change: c.1530G>A on transcript NM_032608.7 (MANE Select); coding-DNA position 1530, G replaced by A.
Protein change: p.Trp510Ter; replaces tryptophan 510 with a stop codon.
Molecular consequence: nonsense.
Genome position (GRCh38, 1-based): chr22:25,770,127, G>A. VCF-style: chr22-25770127-G-A. GRCh37 (hg19) VCF-style: chr22-26166094-G-A.
Other names: c.1530G>A, p.Trp510Ter (NM_001318245.2); short protein forms W510*.
Identifiers: ClinVar variation 3696482 (VCV003696482.2).

ClinVar aggregate classification (germline): Pathogenic (1 of 4 stars; one submission).

Submission:

Labcorp Genetics (formerly Invitae), Labcorp
Classification: Pathogenic. Last evaluated: 2024-10-20. Review status: criteria provided, single submitter. Criteria: Invitae Variant Classification Sherloc (09022015). Collection method: clinical testing. Allele origin: germline.
Comment: This sequence change creates a premature translational stop signal (p.Trp510*) in the MYO18B gene. It is expected to result in an absent or disrupted protein product. Loss-of-function variants in MYO18B are known to be pathogenic (PMID: 25748484, 32184166, 32637634). This variant is not present in population databases (gnomAD no frequency). This variant has not been reported in the literature in individuals affected with MYO18B-related conditions. For these reasons, this variant has been classified as Pathogenic.

Literature cited by the submitters: PubMed 25748484; PubMed 32184166; PubMed 32637634.